The following is an entry in ClinVar:

ClinVar aggregate classification (germline): Uncertain significance (1 of 4 stars; one submission).

Conditions:
Baller-Gerold syndrome (BGS). Also called: CRANIOSYNOSTOSIS WITH RADIAL DEFECTS. Identifiers: Orphanet 1225, MedGen C0265308, MONDO:0009039, OMIM 218600.

Allele frequency attached by ClinVar (database versions not stated): TOPMed 0.00002.
gnomAD v4.1: 6 of 1,601,420 alleles (0.00037%); highest among the groups gnomAD compares: Non-Finnish European, 0.00051%; no homozygotes.

Submission:

Labcorp Genetics (formerly Invitae), Labcorp
Classification: Uncertain significance for Baller-Gerold syndrome. Last evaluated: 2025-08-11. Review status: criteria provided, single submitter. Criteria: Invitae Variant Classification Sherloc (09022015). Collection method: clinical testing. Allele origin: germline.
Comment: This sequence change replaces methionine, which is neutral and non-polar, with threonine, which is neutral and polar, at codon 632 of the RECQL4 protein (p.Met632Thr). This variant is present in population databases (rs757829517, gnomAD 0.001%). This variant has not been reported in the literature in individuals affected with RECQL4-related conditions. ClinVar contains an entry for this variant (Variation ID: 942819). Invitae Evidence Modeling of protein sequence and biophysical properties (such as structural, functional, and spatial information, amino acid conservation, physicochemical variation, residue mobility, and thermodynamic stability) indicates that this missense variant is not expected to disrupt RECQL4 protein function with a negative predictive value of 80%. In summary, the available evidence is currently insufficient to determine the role of this variant in disease. Therefore, it has been classified as a Variant of Uncertain Significance.

NM_004260.4(RECQL4):c.1895T>C (p.Met632Thr)

Gene: RECQL4 (RecQ like helicase 4; minus strand). Cytogenetic location: 8q24.3.
Variant type: single nucleotide variant.
Coding change: c.1895T>C on transcript NM_004260.4 (MANE Select); coding-DNA position 1895, T replaced by C.
Protein change: p.Met632Thr; replaces methionine 632 with threonine.
Molecular consequence: missense variant.
Genome position (GRCh38, 1-based): chr8:144,514,091, A>G on the plus strand (T>C on the coding strand, the complement: RECQL4 is on the minus strand). VCF-style: chr8-144514091-A-G. GRCh37 (hg19) VCF-style: chr8-145739475-A-G.
Other names: short protein forms M632T.
Identifiers: ClinVar variation 942819 (VCV000942819.6), dbSNP rs757829517, ClinGen allele CA4948581.